The following is an entry in ClinVar:

ClinVar aggregate classification (germline): Uncertain significance. Review status: criteria provided, multiple submitters, no conflicts (2 of 4 stars). 2 submissions from 2 submitters: Uncertain significance (2). Last evaluated 2025-06-28.

Conditions:
Brachyolmia-amelogenesis imperfecta syndrome. Also called: PLATYSPONDYLY WITH AMELOGENESIS IMPERFECTA; Tooth agenesis, selective, 6; Dental anomalies and short stature. Identifiers: Orphanet 2899, MedGen C1832594, MONDO:0011018, OMIM 601216. Disease mechanism: loss of function.
Inborn genetic diseases. Identifiers: MedGen C0950123, MeSH D030342.

gnomAD v4.1: 3 of 1,610,638 alleles (0.00019%); no homozygotes.

Submissions (2):

Ambry Genetics
Classification: Uncertain significance for Inborn genetic diseases. Last evaluated: 2025-06-28. Review status: criteria provided, single submitter. Criteria: Ambry Variant Classification Scheme 2023. Collection method: clinical testing. Allele origin: germline.
Comment: The p.N89K variant (also known as c.267C>G), located in coding exon 1 of the LTBP3 gene, results from a C to G substitution at nucleotide position 267. The asparagine at codon 89 is replaced by lysine, an amino acid with similar properties. This amino acid position is conserved. In addition, this alteration is predicted to be tolerated by in silico analysis. Based on the available evidence, the clinical significance of this variant remains unclear.

Labcorp Genetics (formerly Invitae), Labcorp
Classification: Uncertain significance for Brachyolmia-amelogenesis imperfecta syndrome. Last evaluated: 2024-07-17. Review status: criteria provided, single submitter. Criteria: Invitae Variant Classification Sherloc (09022015). Collection method: clinical testing. Allele origin: germline.
Comment: This sequence change replaces asparagine, which is neutral and polar, with lysine, which is basic and polar, at codon 89 of the LTBP3 protein (p.Asn89Lys). This variant is not present in population databases (gnomAD no frequency). This variant has not been reported in the literature in individuals affected with LTBP3-related conditions. An algorithm developed to predict the effect of missense changes on protein structure and function (PolyPhen-2) suggests that this variant is likely to be tolerated. In summary, the available evidence is currently insufficient to determine the role of this variant in disease. Therefore, it has been classified as a Variant of Uncertain Significance.

NM_001130144.3(LTBP3):c.267C>G (p.Asn89Lys)

Gene: LTBP3 (latent transforming growth factor beta binding protein 3; minus strand). Cytogenetic location: 11q13.1.
Variant type: single nucleotide variant.
Coding change: c.267C>G on transcript NM_001130144.3 (MANE Select); coding-DNA position 267, C replaced by G.
Protein change: p.Asn89Lys; replaces asparagine 89 with lysine.
Molecular consequence: missense variant. On other transcripts: 5 prime UTR variant (1).
Genome position (GRCh38, 1-based): chr11:65,557,693, G>C on the plus strand (C>G on the coding strand, the complement: LTBP3 is on the minus strand). VCF-style: chr11-65557693-G-C. GRCh37 (hg19) VCF-style: chr11-65325164-G-C.
Other names: c.267C>G (NM_001130144.2); c.-81C>G (NM_001164266.1); c.267C>G, p.Asn89Lys (NM_021070.4); short protein forms N89K.
Identifiers: ClinVar variation 3621645 (VCV003621645.3).